The following is an entry in ClinVar:

ClinVar aggregate classification (germline): Uncertain significance (1 of 4 stars; one submission).

Allele frequency attached by ClinVar (database versions not stated): TOPMed 0.00001; ExAC 0.00006; ESP Exome Variant Server 0.00008.
gnomAD v4.1: 75 of 1,613,502 alleles (0.0046%); highest among the groups gnomAD compares: African/African-American, 0.011%; no homozygotes.

Submission:

Labcorp Genetics (formerly Invitae), Labcorp
Classification: Uncertain significance. Last evaluated: 2025-04-08. Review status: criteria provided, single submitter. Criteria: Invitae Variant Classification Sherloc (09022015). Collection method: clinical testing. Allele origin: germline.
Comment: This sequence change replaces arginine, which is basic and polar, with histidine, which is basic and polar, at codon 472 of the ADGRE2 protein (p.Arg472His). This variant is present in population databases (rs142367407, gnomAD 0.007%). This variant has not been reported in the literature in individuals affected with ADGRE2-related conditions. ClinVar contains an entry for this variant (Variation ID: 2174463). An algorithm developed to predict the effect of missense changes on protein structure and function outputs the following: PolyPhen-2: "Benign". The histidine amino acid residue is found in multiple mammalian species, which suggests that this missense change does not adversely affect protein function. In summary, the available evidence is currently insufficient to determine the role of this variant in disease. Therefore, it has been classified as a Variant of Uncertain Significance.

NM_013447.4(ADGRE2):c.1415G>A (p.Arg472His)

Gene: ADGRE2 (adhesion G protein-coupled receptor E2; minus strand). Cytogenetic location: 19p13.12.
Variant type: single nucleotide variant.
Coding change: c.1415G>A on transcript NM_013447.4 (MANE Select); coding-DNA position 1415, G replaced by A.
Protein change: p.Arg472His; replaces arginine 472 with histidine.
Molecular consequence: missense variant.
Genome position (GRCh38, 1-based): chr19:14,755,655, C>T on the plus strand (G>A on the coding strand, the complement: ADGRE2 is on the minus strand). VCF-style: chr19-14755655-C-T. GRCh37 (hg19) VCF-style: chr19-14866467-C-T.
Other names: c.1415G>A, p.Arg472His (NM_001271052.1); c.1268G>A, p.Arg423His (NM_152916.2); c.1136G>A, p.Arg379His (NM_152917.2); short protein forms R379H, R423H, R472H.
Identifiers: ClinVar variation 2174463 (VCV002174463.4), dbSNP rs142367407, ClinGen allele CA9257726.